The following is an entry in ClinVar:

NM_001032386.2(SUOX):c.1013G>A (p.Arg338Gln)

Gene: SUOX (sulfite oxidase; plus strand). Cytogenetic location: 12q13.2.
Variant type: single nucleotide variant.
Coding change: c.1013G>A on transcript NM_001032386.2 (MANE Select); coding-DNA position 1013, G replaced by A.
Protein change: p.Arg338Gln; replaces arginine 338 with glutamine.
Molecular consequence: missense variant.
Genome position (GRCh38, 1-based): chr12:56,004,402, G>A. VCF-style: chr12-56004402-G-A. GRCh37 (hg19) VCF-style: chr12-56398186-G-A.
Other names: c.1013G>A, p.Arg338Gln (NM_000456.3, NM_001032387.2); short protein forms R338Q.
Identifiers: ClinVar variation 2199151 (VCV002199151.1), dbSNP rs754116844, ClinGen allele CA6621080.

ClinVar aggregate classification (germline): Uncertain significance (1 of 4 stars; one submission).

Conditions:
Sulfite oxidase deficiency. Also called: Isolated sulfite oxidase deficiency. Identifiers: Orphanet 833, Orphanet 99731, MedGen C0268624, MONDO:0010089, OMIM 272300, HP:0003643.

Allele frequency attached by ClinVar (database versions not stated): ExAC 0.00001; gnomAD 0.00003; TOPMed 0.00003.
gnomAD v4.1: 47 of 1,613,794 alleles (0.0029%); highest among the groups gnomAD compares: Admixed American, 0.0067%; no homozygotes.

Submission:

Labcorp Genetics (formerly Invitae), Labcorp
Classification: Uncertain significance for Sulfite oxidase deficiency. Last evaluated: 2022-08-16. Review status: criteria provided, single submitter. Criteria: Invitae Variant Classification Sherloc (09022015). Collection method: clinical testing. Allele origin: germline.
Comment: This sequence change replaces arginine, which is basic and polar, with glutamine, which is neutral and polar, at codon 338 of the SUOX protein (p.Arg338Gln). This variant is present in population databases (rs754116844, gnomAD 0.007%). This variant has not been reported in the literature in individuals affected with SUOX-related conditions. Algorithms developed to predict the effect of missense changes on protein structure and function (SIFT, PolyPhen-2, Align-GVGD) all suggest that this variant is likely to be tolerated. Algorithms developed to predict the effect of sequence changes on RNA splicing suggest that this variant may create or strengthen a splice site. In summary, the available evidence is currently insufficient to determine the role of this variant in disease. Therefore, it has been classified as a Variant of Uncertain Significance.